The following is an entry in ClinVar:

NM_001184.4(ATR):c.151+4A>G

Gene: ATR (ATR checkpoint kinase; minus strand). Cytogenetic location: 3q23.
Variant type: single nucleotide variant.
Coding change: c.151+4A>G on transcript NM_001184.4 (MANE Select); 4 bases into the intron after coding-DNA position 151, A replaced by G.
Molecular consequence: intron variant.
Genome position (GRCh38, 1-based): chr3:142,568,059, T>C on the plus strand (A>G on the coding strand, the complement: ATR is on the minus strand). VCF-style: chr3-142568059-T-C. GRCh37 (hg19) VCF-style: chr3-142286901-T-C.
Other names: c.151+4A>G (NM_001354579.2).
Identifiers: ClinVar variation 559543 (VCV000559543.2), dbSNP rs1481733213, ClinGen allele CA658821565.
Genomic context (GRCh38, chr3:142,568,059, plus strand): 5'-ATTTATACATGGAAAAGAAAAGTCTAATTTATAAAGTTTATATAAGAAATAATTGGTTTC[T>C]TACCAACATTTACATCTGTAAGTATCCGGTCAATGAATTGACACAGAATTTGTCTTGGCT-3'

ClinVar aggregate classification (germline): Likely pathogenic (0 of 4 stars; one submission).

Conditions:
Seckel syndrome 1 (SCKL1). Also called: MICROCEPHALIC PRIMORDIAL DWARFISM I. Identifiers: Orphanet 808, MedGen C4551474, MONDO:0008869, OMIM 210600.

Allele frequency attached by ClinVar (database versions not stated): gnomAD exomes below 0.00001; TOPMed below 0.00001.
gnomAD v4.1: 1 of 1,596,612 alleles (0.000063%); highest among the groups gnomAD compares: Non-Finnish European, 0.000086%; no homozygotes.

Submission:

Stewart Lab, University of Birmingham
Classification: Likely pathogenic for Seckel syndrome 1. Review status: no assertion criteria provided. Collection method: research, in vitro. Allele origin: maternal, not applicable. Inheritance: Autosomal recessive inheritance. Affected: yes.
Comment: Associated with a reduction in ATR protein expression in patient-derived cells. It is likely that this mutation disrupts mRNA splicing.